The following is an entry in ClinVar:

ClinVar aggregate classification (germline): Pathogenic/Likely pathogenic. Review status: criteria provided, multiple submitters, no conflicts (2 of 4 stars). 9 submissions from 9 submitters: Pathogenic (6); Likely pathogenic (2). 1 of the submissions does not count toward it. Last evaluated 2025-09-23.

Conditions:
Familial cancer of breast. Also called: Hereditary breast cancer; BREAST CANCER, FAMILIAL; hereditary breast carcinoma. Identifiers: Orphanet 227535, MedGen C0346153, MONDO:0016419, OMIM 114480. Disease mechanism: loss of function.
Breast carcinoma. Also called: Carcinoma of breast. Identifiers: MedGen C0678222, MONDO:0004989, HP:0003002.
Hereditary cancer-predisposing syndrome. Also called: Tumor predisposition; Neoplastic Syndromes, Hereditary; Hereditary neoplastic syndrome; Hereditary Cancer Syndrome. Identifiers: Orphanet 140162, MedGen C0027672, MeSH D009386, MONDO:0015356.
Ataxia-telangiectasia syndrome (AT). Also called: LOUIS-BAR SYNDROME; ATAXIA-TELANGIECTASIA, COMPLEMENTATION GROUP A; ATAXIA-TELANGIECTASIA, FRESNO VARIANT; Ataxia-telangiectasia; Cerebello-oculocutaneous telangiectasia; Immunodeficiency with ataxia telangiectasia. Identifiers: Orphanet 100, MedGen C0004135, MONDO:0008840, OMIM 208900.

Submissions (9):

Natera, Inc.
Classification: Likely pathogenic for Ataxia-telangiectasia. Last evaluated: 2025-09-23. Review status: criteria provided, single submitter. Criteria: Natera Variant Classification Schema (03/2026). Collection method: clinical testing. Allele origin: germline.
Comment: The c.193C>T variant in ATM is a nonsense variant predicted to introduce a stop codon at amino acid 65. This variant is expected to result in nonsense mediated decay, truncation, or a dysfunctional protein product. This variant is rare in the general population with a frequency below the threshold expected for the associated phenotype(s). Given the available evidence, this variant is classified as Likely Pathogenic.

Ambry Genetics
Classification: Pathogenic for Hereditary cancer-predisposing syndrome. Last evaluated: 2025-03-03. Review status: criteria provided, single submitter. Criteria: Ambry Variant Classification Scheme 2023. Collection method: clinical testing. Allele origin: germline.
Comment: The p.Q65* variant (also known as c.193C>T), located in coding exon 3 of the ATM gene, results from a C to T substitution at nucleotide position 193. This changes the amino acid from a glutamine to a stop codon within coding exon 3. This alteration has also been reported in a cohort of 460 individuals from 440 families with at least two primary tumors by age 60 years or at least three by 70 years (Whitworth J et al. Am J Hum Genet, 2018 07;103:3-18). This variant is considered to be rare based on population cohorts in the Genome Aggregation Database (gnomAD). In addition to the clinical data presented in the literature, this alteration is expected to result in loss of function by premature protein truncation or nonsense-mediated mRNA decay. As such, this alteration is interpreted as a disease-causing mutation.

Labcorp Genetics (formerly Invitae), Labcorp
Classification: Pathogenic for Ataxia-telangiectasia syndrome. Last evaluated: 2024-05-10. Review status: criteria provided, single submitter. Criteria: Invitae Variant Classification Sherloc (09022015). Collection method: clinical testing. Allele origin: germline.
Comment: This sequence change creates a premature translational stop signal (p.Gln65*) in the ATM gene. It is expected to result in an absent or disrupted protein product. Loss-of-function variants in ATM are known to be pathogenic (PMID: 23807571, 25614872). This variant is not present in population databases (gnomAD no frequency). This premature translational stop signal has been observed in individual(s) with ataxia-telangiectasia and breast cancer (PMID: 21665257, 29909963). ClinVar contains an entry for this variant (Variation ID: 265585). For these reasons, this variant has been classified as Pathogenic.

Fulgent Genetics
Classification: Pathogenic for Familial cancer of breast; Ataxia-telangiectasia syndrome. Last evaluated: 2024-05-02. Review status: criteria provided, single submitter. Criteria: ACMG Guidelines, 2015. Collection method: clinical testing. Allele origin: germline.

Myriad Genetics, Inc.
Classification: Pathogenic for Familial cancer of breast. Last evaluated: 2024-01-08. Review status: criteria provided, single submitter. Criteria: Myriad Autosomal Dominant, Autosomal Recessive and X-Linked Classification Criteria (2023). Collection method: clinical testing. Allele origin: unknown.
Comment: This variant is considered pathogenic. This variant creates a termination codon and is predicted to result in premature protein truncation.

Baylor Genetics
Classification: Pathogenic for Familial cancer of breast. Last evaluated: 2023-09-20. Review status: criteria provided, single submitter. Criteria: ACMG Guidelines, 2015. Collection method: clinical testing. Allele origin: unknown.

Academic Department of Medical Genetics, University of Cambridge
Classification: Pathogenic for Hereditary cancer-predisposing syndrome. Last evaluated: 2018-01-26. Review status: criteria provided, single submitter. Criteria: ACMG Guidelines, 2015. Collection method: research. Allele origin: germline. Affected: yes. Observed: 1 heterozygote.
Comment: Application of AMCG guidelines 2015. Used other ClinVar submission evidence where relevant. Loss of heterozygosity in tumours or immunohistochemistry abnormalities considered functional evidence of pathogenicity.

Identified as part of research study of individuals with multiple primary tumours referred for genetic assessment

GeneDx
Classification: Likely pathogenic. Last evaluated: 2016-05-23. Review status: criteria provided, single submitter. Criteria: GeneDx Variant Classification (06012015). Collection method: clinical testing. Allele origin: germline. Affected: yes.
Comment: This variant is denoted ATM c.193C>T at the cDNA level and p.Gln65Ter (Q65X) at the protein level.The substitution creates a nonsense variant, which changes a Glutamine to a premature stop codon (CAG>TAG), andis predicted to cause loss of normal protein function through either protein truncation or nonsense-mediated mRNAdecay. Although this variant has not, to our knowledge, been reported in the literature, it is considered likelypathogenic.

Medical Genetics Laboratory, Umraniye Training and Research Hospital, University of Health Sciences
Classification: Pathogenic for Breast carcinoma. Last evaluated: 2021-09-12. Review status: no assertion criteria provided. Collection method: clinical testing. Allele origin: germline. Inheritance: Autosomal dominant inheritance. Affected: yes. Observed: 1 heterozygote. Not counted in ClinVar's aggregate classification.

Literature cited by the submitters: PubMed 21665257 (cited by Ambry Genetics and Labcorp Genetics (formerly Invitae), Labcorp); PubMed 29909963 (cited by Ambry Genetics and Labcorp Genetics (formerly Invitae), Labcorp); PubMed 23807571 (cited by Labcorp Genetics (formerly Invitae), Labcorp); PubMed 25614872 (cited by Labcorp Genetics (formerly Invitae), Labcorp).

NM_000051.4(ATM):c.193C>T (p.Gln65Ter)

Gene: ATM (ATM serine/threonine kinase; plus strand). Cytogenetic location: 11q22.3.
Variant type: single nucleotide variant.
Coding change: c.193C>T on transcript NM_000051.4 (MANE Select); coding-DNA position 193, C replaced by T.
Protein change: p.Gln65Ter; replaces glutamine 65 with a stop codon.
Molecular consequence: nonsense.
Genome position (GRCh38, 1-based): chr11:108,229,185, C>T. VCF-style: chr11-108229185-C-T. GRCh37 (hg19) VCF-style: chr11-108099912-C-T.
Other names: c.193C>T, p.Gln65Ter (NM_001351834.2, NM_001351835.2, NM_001351836.2); short protein forms Q65*.
Identifiers: ClinVar variation 265585 (VCV000265585.19), dbSNP rs775248597, ClinGen allele CA10588487.